The following is an entry in ClinVar:

NM_000271.5(NPC1):c.956-10G>T

Gene: NPC1 (NPC intracellular cholesterol transporter 1; minus strand). Cytogenetic location: 18q11.2.
Variant type: single nucleotide variant.
Coding change: c.956-10G>T on transcript NM_000271.5 (MANE Select); 10 bases into the intron before coding-DNA position 956, G replaced by T.
Molecular consequence: intron variant.
Genome position (GRCh38, 1-based): chr18:23,556,623, C>A on the plus strand (G>T on the coding strand, the complement: NPC1 is on the minus strand). VCF-style: chr18-23556623-C-A. GRCh37 (hg19) VCF-style: chr18-21136587-C-A.
Identifiers: ClinVar variation 3031446 (VCV003031446.2), dbSNP rs755660832, ClinGen allele CA628978873.

ClinVar aggregate classification (germline): Likely benign (0 of 4 stars; one submission).

Conditions:
NPC1-related disorder. Also called: NPC1-related condition.

Submission:

PreventionGenetics, part of Exact Sciences
Classification: Likely benign for NPC1-related condition. Last evaluated: 2021-03-08. Review status: no assertion criteria provided. Collection method: clinical testing. Allele origin: germline.
Comment: This variant is classified as likely benign based on ACMG/AMP sequence variant interpretation guidelines (Richards et al. 2015 PMID: 25741868, with internal and published modifications).